The following is an entry in ClinVar:

ClinVar aggregate classification (germline): Uncertain significance (1 of 4 stars; one submission).

Conditions:
Thrombophilia due to protein C deficiency, autosomal dominant. Also called: PROC DEFICIENCY, AUTOSOMAL DOMINANT; PROTEIN C DEFICIENCY, AUTOSOMAL DOMINANT. Identifiers: Orphanet 745, MedGen C2674321, MONDO:0008316, OMIM 176860. Disease mechanism: loss of function.

Allele frequency attached by ClinVar (database versions not stated): gnomAD exomes 0.00001 and 0.00002; ExAC 0.00002; gnomAD 0.00002 and 0.00003; TOPMed 0.00002.

Submission:

Labcorp Genetics (formerly Invitae), Labcorp
Classification: Uncertain significance for Thrombophilia due to protein C deficiency, autosomal dominant. Last evaluated: 2024-02-26. Review status: criteria provided, single submitter. Criteria: Invitae Variant Classification Sherloc (09022015). Collection method: clinical testing. Allele origin: germline.
Comment: This sequence change replaces glutamic acid, which is acidic and polar, with lysine, which is basic and polar, at codon 31 of the PROC protein (p.Glu31Lys). This variant is present in population databases (rs779710709, gnomAD 0.01%). This missense change has been observed in individual(s) with extrahepatic vein thrombosis and reduced protein C levels and activity (PMID: 22576310). ClinVar contains an entry for this variant (Variation ID: 237635). An algorithm developed to predict the effect of missense changes on protein structure and function (PolyPhen-2) suggests that this variant is likely to be tolerated. In summary, the available evidence is currently insufficient to determine the role of this variant in disease. Therefore, it has been classified as a Variant of Uncertain Significance.

Literature cited by the submitters: PubMed 22576310.

NM_000312.4(PROC):c.91G>A (p.Glu31Lys)

Gene: PROC (protein C, inactivator of coagulation factors Va and VIIIa; plus strand). Cytogenetic location: 2q14.3.
Variant type: single nucleotide variant.
Coding change: c.91G>A on transcript NM_000312.4 (MANE Select); coding-DNA position 91, G replaced by A.
Protein change: p.Glu31Lys; replaces glutamic acid 31 with lysine.
Molecular consequence: missense variant. On other transcripts: intron variant (1).
Genome position (GRCh38, 1-based): chr2:127,421,303, G>A. VCF-style: chr2-127421303-G-A. GRCh37 (hg19) VCF-style: chr2-128178879-G-A.
Other names: c.274G>A, p.Glu92Lys (NM_001375602.1); c.154G>A, p.Glu52Lys (NM_001375603.1, NM_001375604.1, NM_001375606.1); c.91G>A, p.Glu31Lys (NM_001375605.1, NM_001375608.1, NM_001375611.1 and 1 more transcripts); c.67G>A, p.Glu23Lys (NM_001375609.1); c.85G>A, p.Glu29Lys (NM_001375610.1); c.190-15G>A (NM_001375607.1); short protein forms E31K, E23K, E29K, E52K, E92K.
Identifiers: ClinVar variation 237635 (VCV000237635.8), dbSNP rs779710709, ClinGen allele CA1859236.